The following is an entry in ClinVar:

NM_138348.6(OTULIN):c.8G>T (p.Arg3Leu)

Gene: OTULIN (OTU deubiquitinase with linear linkage specificity; plus strand). Cytogenetic location: 5p15.2.
Variant type: single nucleotide variant.
Coding change: c.8G>T on transcript NM_138348.6 (MANE Select); coding-DNA position 8, G replaced by T.
Protein change: p.Arg3Leu; replaces arginine 3 with leucine.
Molecular consequence: missense variant.
Genome position (GRCh38, 1-based): chr5:14,664,833, G>T. VCF-style: chr5-14664833-G-T. GRCh37 (hg19) VCF-style: chr5-14664942-G-T.
Other names: short protein forms R3L.
Identifiers: ClinVar variation 4721804 (VCV004721804.1).

ClinVar aggregate classification (germline): Uncertain significance (1 of 4 stars; one submission).

Submission:

Labcorp Genetics (formerly Invitae), Labcorp
Classification: Uncertain significance. Last evaluated: 2025-07-09. Review status: criteria provided, single submitter. Criteria: Invitae Variant Classification Sherloc (09022015). Collection method: clinical testing. Allele origin: germline.
Comment: This sequence change replaces arginine, which is basic and polar, with leucine, which is neutral and non-polar, at codon 3 of the OTULIN protein (p.Arg3Leu). This variant is not present in population databases (gnomAD no frequency). This variant has not been reported in the literature in individuals affected with OTULIN-related conditions. An algorithm developed to predict the effect of missense changes on protein structure and function (PolyPhen-2) suggests that this variant is likely to be tolerated. In summary, the available evidence is currently insufficient to determine the role of this variant in disease. Therefore, it has been classified as a Variant of Uncertain Significance.